The following is an entry in ClinVar:

ClinVar aggregate classification (germline): Pathogenic/Likely pathogenic. Review status: criteria provided, multiple submitters, no conflicts (2 of 4 stars). 2 submissions from 2 submitters: Pathogenic (1); Likely pathogenic (1). Last evaluated 2025-05-07.

Conditions:
Primary immunodeficiency or monogenic inflammatory bowel disease.
CYBB-related disorders.

Allele frequency attached by ClinVar (database versions not stated): gnomAD exomes below 0.00001.
gnomAD v4.1: 1 of 1,197,926 alleles (0.000083%); highest among the groups gnomAD compares: Non-Finnish European, 0.00011%; no homozygotes.

Submissions (2):

North West Genomic Laboratory Hub, Manchester University NHS Foundation Trust
Classification: Pathogenic for Primary immunodeficiency or monogenic inflammatory bowel disease. Last evaluated: 2025-05-07. Review status: criteria provided, single submitter. Criteria: ACGS Best Practice Guidelines for Variant Classification in Rare Disease 2024. Collection method: clinical testing. Allele origin: germline. Affected: yes.
Comment: PM2_Mod PP4_Mod PS4_Mod PVS1_VStr

Blueprint Genetics
Classification: Likely pathogenic for CYBB-related disorders. Last evaluated: 2019-02-22. Review status: criteria provided, single submitter. Criteria: ACMG Guidelines, 2015. Collection method: clinical testing. Allele origin: germline. Affected: yes. Observed: 1 variant allele.

NM_000397.4(CYBB):c.1462-1G>A

Gene: CYBB (cytochrome b-245 beta chain; plus strand). Cytogenetic location: Xp11.4.
Variant type: single nucleotide variant.
Coding change: c.1462-1G>A on transcript NM_000397.4 (MANE Select); the canonical splice acceptor site of the intron before coding-DNA position 1462, G replaced by A.
Molecular consequence: splice acceptor variant.
Genome position (GRCh38, 1-based): chrX:37,809,566, G>A. VCF-style: chrX-37809566-G-A. GRCh37 (hg19) VCF-style: chrX-37668819-G-A.
Identifiers: ClinVar variation 636980 (VCV000636980.3), dbSNP rs1602185687, ClinGen allele CA412978328.